The following is an entry in ClinVar:

ClinVar aggregate classification (germline): Uncertain significance (1 of 4 stars; one submission).

Conditions:
Hereditary cancer-predisposing syndrome. Also called: Tumor predisposition; Hereditary neoplastic syndrome; Hereditary Cancer Syndrome; Neoplastic Syndromes, Hereditary. Identifiers: Orphanet 140162, MedGen C0027672, MeSH D009386, MONDO:0015356.

gnomAD v4.1: 1 of 1,613,804 alleles (0.000062%); highest among the groups gnomAD compares: Non-Finnish European, 0.000085%; no homozygotes.

Submission:

Ambry Genetics
Classification: Uncertain significance for Hereditary cancer-predisposing syndrome. Last evaluated: 2025-05-16. Review status: criteria provided, single submitter. Criteria: Ambry Variant Classification Scheme 2023. Collection method: clinical testing. Allele origin: germline.
Comment: The c.3795+1G>T intronic variant results from a G to T substitution one nucleotide after coding exon 30 of the POLE gene. Alterations that disrupt the canonical splice site are expected to result in aberrant splicing. In silico splice site analysis predicts that this alteration will weaken the native splice donor site. A resulting transcript is predicted to be in-frame and is not expected to trigger nonsense-mediated mRNAdecay; although, direct evidence is unavailable. This nucleotide position is highly conserved in available vertebrate species. Based on the available evidence, the clinical significance of this variant remains unclear.

NM_006231.4(POLE):c.3795+1G>T

Gene: POLE (DNA polymerase epsilon, catalytic subunit; minus strand). Cytogenetic location: 12q24.33.
Variant type: single nucleotide variant.
Coding change: c.3795+1G>T on transcript NM_006231.4 (MANE Select); the canonical splice donor site of the intron after coding-DNA position 3795, G replaced by T.
Molecular consequence: splice donor variant.
Genome position (GRCh38, 1-based): chr12:132,649,676, C>A on the plus strand (G>T on the coding strand, the complement: POLE is on the minus strand). VCF-style: chr12-132649676-C-A. GRCh37 (hg19) VCF-style: chr12-133226262-C-A.
Identifiers: ClinVar variation 3935740 (VCV003935740.1).